The following is an entry in ClinVar:

ClinVar aggregate classification (germline): Uncertain significance (1 of 4 stars; one submission).

Submission:

Labcorp Genetics (formerly Invitae), Labcorp
Classification: Uncertain significance. Last evaluated: 2024-10-29. Review status: criteria provided, single submitter. Criteria: Invitae Variant Classification Sherloc (09022015). Collection method: clinical testing. Allele origin: germline.
Comment: This sequence change replaces glutamine, which is neutral and polar, with glutamic acid, which is acidic and polar, at codon 1900 of the ABCA1 protein (p.Gln1900Glu). This variant is not present in population databases (gnomAD no frequency). This variant has not been reported in the literature in individuals affected with ABCA1-related conditions. ClinVar contains an entry for this variant (Variation ID: 2062245). Invitae Evidence Modeling of protein sequence and biophysical properties (such as structural, functional, and spatial information, amino acid conservation, physicochemical variation, residue mobility, and thermodynamic stability) indicates that this missense variant is not expected to disrupt ABCA1 protein function with a negative predictive value of 95%. In summary, the available evidence is currently insufficient to determine the role of this variant in disease. Therefore, it has been classified as a Variant of Uncertain Significance.

NM_005502.4(ABCA1):c.5698C>G (p.Gln1900Glu)

Gene: ABCA1 (ATP binding cassette subfamily A member 1; minus strand). Cytogenetic location: 9q31.1.
Variant type: single nucleotide variant.
Coding change: c.5698C>G on transcript NM_005502.4 (MANE Select); coding-DNA position 5698, C replaced by G.
Protein change: p.Gln1900Glu; replaces glutamine 1900 with glutamic acid.
Molecular consequence: missense variant.
Genome position (GRCh38, 1-based): chr9:104,792,845, G>C on the plus strand (C>G on the coding strand, the complement: ABCA1 is on the minus strand). VCF-style: chr9-104792845-G-C. GRCh37 (hg19) VCF-style: chr9-107555126-G-C.
Other names: short protein forms Q1900E.
Identifiers: ClinVar variation 2062245 (VCV002062245.4), dbSNP rs2538051988, ClinGen allele CA374312301.
Genomic context (GRCh38, chr9:104,792,845, plus strand): 5'-CCTTCGTCAACTCCTTGATTTCTAAGATGTCATTCTGGCCTCCACCATCAAGAATTCTCT[G>C]TCTTTCCCGCCTCACATCTTCATCTTCATCATTCAGAGGAGATAGCTTTGCATTTACAGG-3'
Protein context (NP_005493.2, residues 1890-1910): DEDEDVRRER[Gln1900Glu]RILDGGGQND